The following is an entry in ClinVar:

NM_206926.2(SELENON):c.1543G>A (p.Val515Met)

Gene: SELENON (selenoprotein N; plus strand). Cytogenetic location: 1p36.11.
Variant type: single nucleotide variant.
Coding change: c.1543G>A on transcript NM_206926.2 (MANE Select); coding-DNA position 1543, G replaced by A.
Protein change: p.Val515Met; replaces valine 515 with methionine.
Molecular consequence: missense variant.
Genome position (GRCh38, 1-based): chr1:25,815,590, G>A. VCF-style: chr1-25815590-G-A. GRCh37 (hg19) VCF-style: chr1-26142081-G-A.
Other names: c.1645G>A, p.Val549Met (NM_020451.3); short protein forms V549M, V515M.
Identifiers: ClinVar variation 261278 (VCV000261278.38), dbSNP rs147131452, ClinGen allele CA696965.

ClinVar aggregate classification (germline): Benign/Likely benign. Review status: criteria provided, multiple submitters, no conflicts (2 of 4 stars). 10 submissions from 10 submitters: Benign (6); Likely benign (4). Last evaluated 2026-08-01.

Conditions:
SELENON-related disorder. Also called: SELENON-related condition.
SEPN1-related disorder. Also called: SEPN1-Related Disorders. Identifiers: MedGen CN239420.
Congenital myopathy with fiber type disproportion. Also called: Congenital fiber-type disproportion; Congenital fiber-type disproportion myopathy. Identifiers: Orphanet 2020, MedGen C0546264, MONDO:0009711. Inheritance: all.
Eichsfeld type congenital muscular dystrophy (CMYO3). Also called: SELENON-related myopathy; Congenital myopathy 3 with rigid spine; Rigid spine muscular dystrophy 1; MYOPATHY, SEPN1-RELATED. Identifiers: MedGen C0410180, MONDO:0100100, OMIM 602771.

Allele frequency attached by ClinVar (database versions not stated): gnomAD exomes 0.00113 and 0.00272; ESP Exome Variant Server 0.00216; gnomAD 0.00268 and 0.00269; ExAC 0.00298; TOPMed 0.00318; 1000 Genomes Project 30x 0.00390; 1000 Genomes Project 0.00399.
gnomAD v4.1: 2,095 of 1,614,140 alleles (0.13%); highest among the groups gnomAD compares: East Asian, 1%; 14 homozygotes.

Submissions (10):

CeGaT Center for Human Genetics Tuebingen
Classification: Benign. Last evaluated: 2026-08-01. Review status: criteria provided, single submitter. Criteria: CeGaT Center For Human Genetics Tuebingen Variant Classification Criteria Version 2. Collection method: clinical testing. Allele origin: germline. Affected: yes. Observed: 3 variant alleles.
Comment: SELENON: BP4, BS1, BS2

Labcorp Genetics (formerly Invitae), Labcorp
Classification: Benign for Eichsfeld type congenital muscular dystrophy. Last evaluated: 2026-01-28. Review status: criteria provided, single submitter. Criteria: Invitae Variant Classification Sherloc (09022015). Collection method: clinical testing. Allele origin: germline.

PreventionGenetics, part of Exact Sciences
Classification: Benign for SELENON-related condition. Last evaluated: 2025-12-08. Review status: criteria provided, single submitter. Criteria: ACMG Guidelines, 2015. Collection method: clinical testing. Allele origin: germline.
Comment: This variant is classified as benign based on ACMG/AMP sequence variant interpretation guidelines (Richards et al. 2015 PMID: 25741868, with internal and published modifications).

Mayo Clinic Laboratories, Mayo Clinic
Classification: Benign. Last evaluated: 2025-06-09. Review status: criteria provided, single submitter. Criteria: ACMG Guidelines, 2015. Collection method: clinical testing. Allele origin: germline. Observed: 1 variant allele.
Comment: BS1, BS2, BP4

Blueprint Genetics
Classification: Likely benign. Last evaluated: 2024-11-26. Review status: criteria provided, single submitter. Criteria: ACMG Guidelines, 2015. Collection method: clinical testing. Allele origin: germline.

Fulgent Genetics
Classification: Likely benign for Congenital myopathy 4A, autosomal dominant; Eichsfeld type congenital muscular dystrophy. Last evaluated: 2022-02-15. Review status: criteria provided, single submitter. Criteria: ACMG Guidelines, 2015. Collection method: clinical testing. Allele origin: unknown.

GeneDx
Classification: Benign. Last evaluated: 2019-07-25. Review status: criteria provided, single submitter. Criteria: GeneDx Variant Classification Process June 2021. Collection method: clinical testing. Allele origin: germline. Affected: yes.
Comment: This variant is associated with the following publications: (PMID: 22426012)

Illumina Laboratory Services, Illumina
Classification: Benign for SEPN1-Related Disorders. Last evaluated: 2018-01-12. Review status: criteria provided, single submitter. Criteria: ICSL Variant Classification Criteria 13 December 2019. Collection method: clinical testing. Allele origin: germline.
Comment: This variant was observed in the ICSL laboratory as part of a predisposition screen in an ostensibly healthy population. It had not been previously curated by ICSL or reported in the Human Gene Mutation Database (HGMD: prior to June 1st, 2018), and was therefore a candidate for classification through an automated scoring system. Utilizing variant allele frequency, disease prevalence and penetrance estimates, and inheritance mode, an automated score was calculated to assess if this variant is too frequent to cause the disease. Based on the score and internal cut-off values, a variant classified as benign is not then subjected to further curation. The score for this variant resulted in a classification of benign for this disease.

Athena Diagnostics
Classification: Likely benign. Last evaluated: 2017-06-01. Review status: criteria provided, single submitter. Criteria: Athena Diagnostics Criteria. Collection method: clinical testing. Allele origin: germline.

Breakthrough Genomics
Classification: Likely benign. Review status: criteria provided, single submitter. Criteria: ACMG Guidelines, 2015. Collection method: not provided. Allele origin: germline. Inheritance: Autosomal recessive inheritance. Affected: yes.